The following is an entry in ClinVar:

ClinVar aggregate classification (germline): Uncertain significance. Review status: criteria provided, multiple submitters, no conflicts (2 of 4 stars). 2 submissions from 2 submitters: Uncertain significance (2). Last evaluated 2025-11-18.

Allele frequency attached by ClinVar (database versions not stated): TOPMed 0.00007; 1000 Genomes Project 30x 0.00016.
gnomAD v4.1: 40 of 1,613,974 alleles (0.0025%); highest among the groups gnomAD compares: African/African-American, 0.025%; no homozygotes.

Submissions (2):

Women's Health and Genetics/Laboratory Corporation of America, LabCorp
Classification: Uncertain significance. Last evaluated: 2025-11-18. Review status: criteria provided, single submitter. Criteria: LabCorp Variant Classification Summary - May 2015. Collection method: clinical testing. Allele origin: germline.
Comment: Variant summary: MYO7A c.4012C>T (p.Arg1338Cys) results in a non-conservative amino acid change in the encoded protein sequence. Algorithms developed to predict the effect of missense changes on protein structure and function all suggest that this variant is likely to be disruptive. The variant allele was found at a frequency of 1.2e-05 in 248780 control chromosomes. The available data on variant occurrences in the general population are insufficient to allow any conclusion about variant significance. To our knowledge, no occurrence of c.4012C>T in individuals affected with MYO7A-related conditions and no experimental evidence demonstrating its impact on protein function have been reported. ClinVar contains an entry for this variant (Variation ID: 2156527). Based on the evidence outlined above, the variant was classified as uncertain significance.

Labcorp Genetics (formerly Invitae), Labcorp
Classification: Uncertain significance. Last evaluated: 2025-04-10. Review status: criteria provided, single submitter. Criteria: Invitae Variant Classification Sherloc (09022015). Collection method: clinical testing. Allele origin: germline.
Comment: This sequence change replaces arginine, which is basic and polar, with cysteine, which is neutral and slightly polar, at codon 1338 of the MYO7A protein (p.Arg1338Cys). This variant is present in population databases (no rsID available, gnomAD 0.01%). This variant has not been reported in the literature in individuals affected with MYO7A-related conditions. ClinVar contains an entry for this variant (Variation ID: 2156527). Invitae Evidence Modeling of protein sequence and biophysical properties (such as structural, functional, and spatial information, amino acid conservation, physicochemical variation, residue mobility, and thermodynamic stability) has been performed for this missense variant. However, the output from this modeling did not meet the statistical confidence thresholds required to predict the impact of this variant on MYO7A protein function. In summary, the available evidence is currently insufficient to determine the role of this variant in disease. Therefore, it has been classified as a Variant of Uncertain Significance.

NM_000260.4(MYO7A):c.4012C>T (p.Arg1338Cys)

Gene: MYO7A (myosin VIIA; plus strand). Cytogenetic location: 11q13.5.
Variant type: single nucleotide variant.
Coding change: c.4012C>T on transcript NM_000260.4 (MANE Select); coding-DNA position 4012, C replaced by T.
Protein change: p.Arg1338Cys; replaces arginine 1338 with cysteine.
Molecular consequence: missense variant.
Genome position (GRCh38, 1-based): chr11:77,192,138, C>T. VCF-style: chr11-77192138-C-T. GRCh37 (hg19) VCF-style: chr11-76903183-C-T.
Other names: c.4012C>T, p.Arg1338Cys (NM_001127180.2); c.3979C>T, p.Arg1327Cys (NM_001369365.1); short protein forms R1338C, R1327C.
Identifiers: ClinVar variation 2156527 (VCV002156527.4), dbSNP rs373331911, ClinGen allele CA224846220.
Genomic context (GRCh38, chr11:77,192,138, plus strand): 5'-CACGTCATGGACGCCATCTCCCAGTGCGAGCAGTACGCCAAGGAGCAGGGCGCCCAGGAG[C>T]GCAACGCCCCCTGGAGGCTCTTCTTCCGCAAAGAGGTCTTCACGCCCTGGCACAGCCCCT-3'
Protein context (NP_000251.3, residues 1328-1348): QYAKEQGAQE[Arg1338Cys]NAPWRLFFRK